The following is an entry in ClinVar:

ClinVar aggregate classification (germline): Pathogenic (1 of 4 stars; one submission).

Conditions:
Gorlin syndrome. Also called: Nevoid Basal Cell Carcinoma Syndrome; Basal cell nevus syndrome. Identifiers: Orphanet 377, MedGen C0004779, MONDO:0007187.

Submission:

Labcorp Genetics (formerly Invitae), Labcorp
Classification: Pathogenic for Gorlin syndrome. Last evaluated: 2019-01-21. Review status: criteria provided, single submitter. Criteria: Invitae Variant Classification Sherloc (09022015). Collection method: clinical testing. Allele origin: germline.
Comment: For these reasons, this variant has been classified as Pathogenic. Loss-of-function variants in PTCH1 are known to be pathogenic (PMID: 16301862, 16419085). Algorithms developed to predict the effect of sequence changes on RNA splicing suggest that this variant may create or strengthen a splice site, but this prediction has not been confirmed by published transcriptional studies. This variant has not been reported in the literature in individuals with PTCH1-related conditions. This variant is not present in population databases (ExAC no frequency). This sequence change creates a premature translational stop signal (p.Glu835*) in the PTCH1 gene. It is expected to result in an absent or disrupted protein product.

Literature cited by the submitters: PubMed 16301862; PubMed 16419085.

NM_000264.5(PTCH1):c.2503G>T (p.Glu835Ter)

Genes: PTCH1 (patched 1; minus strand), LOC100507346 (uncharacterized LOC100507346; plus strand). Cytogenetic location: 9q22.32.
Variant type: single nucleotide variant.
Coding change: c.2503G>T on transcript NM_000264.5 (MANE Select); coding-DNA position 2503, G replaced by T.
Protein change: p.Glu835Ter; replaces glutamic acid 835 with a stop codon.
Molecular consequence: nonsense. On other transcripts: non-coding transcript variant (2).
Genome position (GRCh38, 1-based): chr9:95,467,173, C>A on the plus strand (G>T on the coding strand, the complement: PTCH1 is on the minus strand). VCF-style: chr9-95467173-C-A. GRCh37 (hg19) VCF-style: chr9-98229455-C-A.
Other names: c.2305G>T, p.Glu769Ter (NM_001083602.3); c.2500G>T, p.Glu834Ter (NM_001083603.3); c.2347G>T, p.Glu783Ter (NM_001354918.2); c.2050G>T, p.Glu684Ter (NM_001083606.3, NM_001083607.3, NM_001083604.3 and 1 more transcripts); short protein forms E835*, E769*, E783*, E684*, E834*.
Identifiers: ClinVar variation 656476 (VCV000656476.9), dbSNP rs1588568595, ClinGen allele CA374113897.